The following is an entry in ClinVar:

NM_001308093.3(GATA4):c.825C>T (p.Cys275=)

Gene: GATA4 (GATA binding protein 4). Cytogenetic location: 8p23.1.
Variant type: single nucleotide variant.
Coding change: c.825C>T on transcript NM_001308093.3 (MANE Select); coding-DNA position 825, C replaced by T.
Protein change: p.Cys275=; no amino-acid change (cysteine 275 retained).
Molecular consequence: synonymous variant. On other transcripts: intron variant (1).
Genome position (GRCh38, 1-based): chr8:11,750,149, C>T. VCF-style: chr8-11750149-C-T. GRCh37 (hg19) VCF-style: chr8-11607658-C-T.
Other names: c.204C>T, p.Cys68= (NM_001308094.2, NM_001374273.1); c.822C>T, p.Cys274= (NM_002052.5); c.165+1064C>T (NM_001374274.1).
Identifiers: ClinVar variation 44336 (VCV000044336.60), dbSNP rs55980825, ClinGen allele CA133997.

ClinVar aggregate classification (germline): Conflicting classifications of pathogenicity. Review status: criteria provided, conflicting classifications (1 of 4 stars). 18 submissions from 14 submitters: Uncertain significance (5); Benign (2); Likely benign (6). 5 of the submissions do not count toward it. Last evaluated 2026-06-01.

Conditions:
Cardiovascular phenotype. Identifiers: MedGen CN230736.
Atrioventricular septal defect 4 (AVSD4). Identifiers: MedGen C3280781, MONDO:0013747, OMIM 614430.
Ventricular septal defect 1 (VSD1). Identifiers: MedGen C3280777, MONDO:0013746, OMIM 614429.
Atrial septal defect 2 (ASD2). Identifiers: Orphanet 1478, MedGen C1842778, MONDO:0011938, OMIM 607941.
Primary dilated cardiomyopathy (DCM). Also called: Dilated Cardiomyopathy. Identifiers: Orphanet 217604, MedGen C0007193, MeSH D002311, MONDO:0005021, HP:0001644. Inheritance: Various modes of inheritance.
Tetralogy of Fallot (TOF). Identifiers: Orphanet 3303, MedGen C0039685, MONDO:0008542, OMIM 187500, HP:0001636.

Allele frequency attached by ClinVar (database versions not stated): 1000 Genomes Project 30x 0.00172; 1000 Genomes Project 0.00180; gnomAD exomes 0.00221 and 0.00411; ExAC 0.00224; gnomAD 0.00269 and 0.00275; TOPMed 0.00270; ESP Exome Variant Server 0.00308.
gnomAD v4.1: 6,411 of 1,614,006 alleles (0.4%); highest among the groups gnomAD compares: Non-Finnish European, 0.49%; 14 homozygotes.

Submissions (18):

CeGaT Center for Human Genetics Tuebingen
Classification: Likely benign. Last evaluated: 2026-06-01. Review status: criteria provided, single submitter. Criteria: CeGaT Center For Human Genetics Tuebingen Variant Classification Criteria Version 2. Collection method: clinical testing. Allele origin: germline. Affected: yes. Observed: 12 variant alleles.
Comment: GATA4: BP4, BS2

Labcorp Genetics (formerly Invitae), Labcorp
Classification: Benign for Atrioventricular septal defect 4. Last evaluated: 2026-02-04. Review status: criteria provided, single submitter. Criteria: Invitae Variant Classification Sherloc (09022015). Collection method: clinical testing. Allele origin: germline.

ARUP Laboratories, Molecular Genetics and Genomics, ARUP Laboratories
Classification: Likely benign. Last evaluated: 2025-04-27. Review status: criteria provided, single submitter. Criteria: ARUP Molecular Germline Variant Investigation Process 2024. Collection method: clinical testing. Allele origin: germline.

Blueprint Genetics
Classification: Likely benign. Last evaluated: 2024-11-25. Review status: criteria provided, single submitter. Criteria: ACMG Guidelines, 2015. Collection method: clinical testing. Allele origin: germline.

GeneDx
Classification: Likely benign. Last evaluated: 2020-12-07. Review status: criteria provided, single submitter. Criteria: GeneDx Variant Classification Process June 2021. Collection method: clinical testing. Allele origin: germline. Affected: yes.
Comment: This variant is associated with the following publications: (PMID: 30590232, 30229885, 28381408, 20874241, 24033266, 27374936, 18076106, 18055909, 12939651)

Phosphorus, Inc.
Classification: Uncertain significance for Atrial septal defect 2. Last evaluated: 2017-08-01. Review status: criteria provided, single submitter. Criteria: ACMG Guidelines, 2015. Collection method: clinical testing. Allele origin: germline. Observed: 1 variant allele.

Phosphorus, Inc.
Classification: Uncertain significance for Atrioventricular septal defect 4. Last evaluated: 2017-08-01. Review status: criteria provided, single submitter. Criteria: ACMG Guidelines, 2015. Collection method: clinical testing. Allele origin: germline. Observed: 1 variant allele.

Phosphorus, Inc.
Classification: Uncertain significance for Primary dilated cardiomyopathy. Last evaluated: 2017-08-01. Review status: criteria provided, single submitter. Criteria: ACMG Guidelines, 2015. Collection method: clinical testing. Allele origin: germline. Observed: 1 variant allele.

Phosphorus, Inc.
Classification: Uncertain significance for Tetralogy of Fallot. Last evaluated: 2017-08-01. Review status: criteria provided, single submitter. Criteria: ACMG Guidelines, 2015. Collection method: clinical testing. Allele origin: germline. Observed: 1 variant allele.

Phosphorus, Inc.
Classification: Uncertain significance for Ventricular septal defect 1. Last evaluated: 2017-08-01. Review status: criteria provided, single submitter. Criteria: ACMG Guidelines, 2015. Collection method: clinical testing. Allele origin: germline. Observed: 1 variant allele.

Genetic Services Laboratory, University of Chicago
Classification: Likely benign. Last evaluated: 2016-11-04. Review status: criteria provided, single submitter. Criteria: ACMG Guidelines, 2015. Collection method: clinical testing. Allele origin: germline. Affected: no.

Ambry Genetics
Classification: Likely benign for Cardiovascular phenotype. Last evaluated: 2016-09-15. Review status: criteria provided, single submitter. Criteria: Ambry Variant Classification Scheme 2023. Collection method: clinical testing. Allele origin: germline.

Laboratory for Molecular Medicine, Mass General Brigham Personalized Medicine
Classification: Benign. Last evaluated: 2016-04-07. Review status: criteria provided, single submitter. Criteria: LMM Criteria. Collection method: clinical testing. Allele origin: germline. Observed: 4 variant alleles.
Comment: p.Cys274Cys in exon 4 of GATA4: This variant is not expected to have clinical si gnificance because it does not alter an amino acid residue and is not located wi thin the splice consensus sequence. It has been identified in 0.3% (202/66414) of European chromosomes by the Exome Aggregation Consortium (ExAC; dbSNP rs55980825).

Clinical Genetics DNA and cytogenetics Diagnostics Lab, Erasmus MC, Erasmus Medical Center
Classification: Likely benign. Review status: no assertion criteria provided. Collection method: clinical testing. Allele origin: germline. Affected: yes. Study: VKGL Data-share Consensus. Not counted in ClinVar's aggregate classification.

Diagnostic Laboratory, Department of Genetics, University Medical Center Groningen
Classification: Likely benign. Review status: no assertion criteria provided. Collection method: clinical testing. Allele origin: germline. Affected: yes. Study: VKGL Data-share Consensus. Not counted in ClinVar's aggregate classification.

Genome Diagnostics Laboratory, University Medical Center Utrecht
Classification: Likely benign. Review status: no assertion criteria provided. Collection method: clinical testing. Allele origin: germline. Affected: yes. Study: VKGL Data-share Consensus. Not counted in ClinVar's aggregate classification.

Joint Genome Diagnostic Labs from Nijmegen and Maastricht, Radboudumc and MUMC+
Classification: Likely benign. Review status: no assertion criteria provided. Collection method: clinical testing. Allele origin: germline. Affected: yes. Study: VKGL Data-share Consensus. Not counted in ClinVar's aggregate classification.

Laboratory of Diagnostic Genome Analysis, Leiden University Medical Center (LUMC)
Classification: Likely benign. Review status: no assertion criteria provided. Collection method: clinical testing. Allele origin: germline. Affected: yes. Study: VKGL Data-share Consensus. Not counted in ClinVar's aggregate classification.

Literature cited by the submitters: PubMed 18076106 (cited by Phosphorus, Inc.); PubMed 20874241 (cited by Phosphorus, Inc.); PubMed 27374936 (cited by Phosphorus, Inc.).